The following is an entry in ClinVar:

ClinVar aggregate classification (germline): Pathogenic (1 of 4 stars; one submission).

Conditions:
Tay-Sachs disease, variant AB. Also called: Gm2-gangliosidosis, ab variant; GM2 Activator Deficiency. Identifiers: Orphanet 309246, MedGen C0268275, MONDO:0010099, OMIM 272750.

Submission:

Labcorp Genetics (formerly Invitae), Labcorp
Classification: Pathogenic for Tay-Sachs disease, variant AB. Last evaluated: 2017-10-15. Review status: criteria provided, single submitter. Criteria: Invitae Variant Classification Sherloc (09022015). Collection method: clinical testing. Allele origin: germline.
Comment: For these reasons, this variant has been classified as Pathogenic. Loss-of-function variants in GM2A are known to be pathogenic (PMID: 8900233, 10364519, 24767253). This variant has not been reported in the literature in individuals affected with GM2A-related disease. A gross deletion of the genomic region encompassing the full coding sequence of the GM2A gene has been identified. The boundaries of this event are unknown as the deletion extends beyond the assayed region for this gene and therefore may encompass additional genes.

Literature cited by the submitters: PubMed 8900233; PubMed 10364519; PubMed 24767253.

NC_000005.10:g.(?_151253197)_(151267660_?)del

Genes: GM2A (ganglioside GM2 activator; plus strand), LOC129995044 (ATAC-STARR-seq lymphoblastoid active region 23455; plus strand). Cytogenetic location: 5q33.1.
Variant type: Deletion.
Identifiers: ClinVar variation 529236 (VCV000529236.6).